The following is an entry in ClinVar:

ClinVar aggregate classification (germline): Pathogenic. Review status: criteria provided, multiple submitters, no conflicts (2 of 4 stars). 3 submissions from 2 submitters: Pathogenic (2). 1 of the submissions does not count toward it. Last evaluated 2023-05-04.

Conditions:
Familial adenomatous polyposis 1 (FAP1). Also called: FAMILIAL ADENOMATOUS POLYPOSIS 1, ATTENUATED; POLYPOSIS, ADENOMATOUS INTESTINAL. Identifiers: MedGen C2713442, MONDO:0021056, OMIM 175100. Disease mechanism: loss of function.

Submissions (3):

Myriad Genetics, Inc.
Classification: Pathogenic for Familial adenomatous polyposis 1. Last evaluated: 2023-05-04. Review status: criteria provided, single submitter. Criteria: Myriad Autosomal Dominant, Autosomal Recessive and X-Linked Classification Criteria (2023). Collection method: clinical testing. Allele origin: unknown.
Comment: This variant is considered pathogenic. This variant creates a frameshift predicted to result in premature protein truncation.

Labcorp Genetics (formerly Invitae), Labcorp
Classification: Pathogenic for Familial adenomatous polyposis 1. Last evaluated: 2016-01-02. Review status: criteria provided, single submitter. Criteria: Invitae Variant Classification Sherloc (09022015). Collection method: clinical testing. Allele origin: germline.
Comment: For these reasons, this variant has been classified as Pathogenic. Truncating variants in APC are known to be pathogenic. This particular truncation has been reported in the literature ¬†in an individual with familial adenomatous polyposis (PMID: 10083733). This variant is located in the last coding exon of APC. However, other downstream, pathogenic truncating variants have been reported in exon 16 (PMID: 20223039, 11247896, 1316610) This sequence change deletes 1 nucleotide from exon 16 of the APC mRNA (c.2314delA), causing a frameshift at codon 772. This creates a premature translational stop signal in the last exon of the APC mRNA (p.Thr772Leufs*5). While this is not anticipated to result in nonsense mediated decay, it is expected to result in a truncated APC protein.

Labcorp Genetics (formerly Invitae), Labcorp
Classification: Pathogenic for Familial adenomatous polyposis 1. Last evaluated: 2016-01-02. Review status: flagged submission. Criteria: Invitae Variant Classification Sherloc (09022015). Collection method: clinical testing. Allele origin: germline. Not counted in ClinVar's aggregate classification.
Comment: This sequence change deletes 1 nucleotide from exon 16 of the APC mRNA (c.2314delA), causing a frameshift at codon 772. This creates a premature translational stop signal in the last exon of the APC mRNA (p.Thr772Leufs*5). While this is not anticipated to result in nonsense mediated decay, it is expected to result in a truncated APC protein. Truncating variants in APC are known to be pathogenic. This particular truncation has been reported in the literature in an individual with familial adenomatous polyposis (PMID: 10083733). This variant is located in the last coding exon of APC. However, other downstream, pathogenic truncating variants have been reported in exon 16 (PMID: 20223039, 11247896, 1316610) For these reasons, this variant has been classified as Pathogenic.
ClinVar note: Reason: This record appears to be redundant with a more recent record from the same submitter.
ClinVar note: Notes: SCV000282717 appears to be redundant with SCV002217717.

Literature cited by the submitters: PubMed 10083733 (cited by Labcorp Genetics (formerly Invitae), Labcorp); PubMed 20223039 (cited by Labcorp Genetics (formerly Invitae), Labcorp); PubMed 11247896 (cited by Labcorp Genetics (formerly Invitae), Labcorp); PubMed 1316610 (cited by Labcorp Genetics (formerly Invitae), Labcorp).

NM_000038.6(APC):c.2314del (p.Thr772fs)

Gene: APC (APC regulator of Wnt signaling pathway; plus strand). Cytogenetic location: 5q22.2.
Variant type: Deletion.
Coding change: c.2314del on transcript NM_000038.6 (MANE Select); coding-DNA position 2314, one base deleted (A; older notation c.2314delA).
Protein change: p.Thr772fs; shifts the reading frame from threonine 772.
Molecular consequence: frameshift variant.
Genome position (GRCh38, 1-based): chr5:112,837,908, A deleted; the last of 3 consecutive A bases (chr5:112,837,906-112,837,908); deleting any one gives the same sequence. VCF-style (leftmost placement, unchanged base first): chr5-112837905-GA-G. GRCh37 (hg19) VCF-style: chr5-112173602-GA-G.
Other names: c.2314del, p.Thr772fs (NM_001127510.3, NM_001354895.2); c.2260del, p.Thr754fs (NM_001127511.3); c.2368del, p.Thr790fs (NM_001354896.2); c.2344del, p.Thr782fs (NM_001354897.2); c.2239del, p.Thr747fs (NM_001354898.2); c.2230del, p.Thr744fs (NM_001354899.2); c.2191del, p.Thr731fs (NM_001354900.2); c.2137del, p.Thr713fs (NM_001354901.2); and 5 more; short protein forms T612fs, T754fs, T772fs, T713fs, T747fs, T646fs, T744fs, T790fs.
Identifiers: ClinVar variation 236573 (VCV000236573.8), dbSNP rs878853426, ClinGen allele CA10582296.